The following is an entry in ClinVar:

ClinVar aggregate classification (germline): Uncertain significance (1 of 4 stars; one submission).

Allele frequency attached by ClinVar (database versions not stated): TOPMed below 0.00001; gnomAD 0.00001.
gnomAD v4.1: 2 of 1,613,320 alleles (0.00012%); highest among the groups gnomAD compares: African/African-American, 0.0027%; no homozygotes.

Submission:

GeneDx
Classification: Uncertain significance. Last evaluated: 2024-07-24. Review status: criteria provided, single submitter. Criteria: GeneDx Variant Classification Process June 2021. Collection method: clinical testing. Allele origin: germline. Affected: yes.
Comment: Not observed at significant frequency in large population cohorts (gnomAD); In silico analysis supports that this missense variant has a deleterious effect on protein structure/function; Has not been previously published as pathogenic or benign to our knowledge

NM_017852.5(NLRP2):c.3115C>T (p.Pro1039Ser)

Gene: NLRP2 (NLR family pyrin domain containing 2; plus strand). Cytogenetic location: 19q13.42.
Variant type: single nucleotide variant.
Coding change: c.3115C>T on transcript NM_017852.5 (MANE Select); coding-DNA position 3115, C replaced by T.
Protein change: p.Pro1039Ser; replaces proline 1039 with serine.
Molecular consequence: missense variant. On other transcripts: non-coding transcript variant (1).
Genome position (GRCh38, 1-based): chr19:55,000,824, C>T. VCF-style: chr19-55000824-C-T. GRCh37 (hg19) VCF-style: chr19-55512192-C-T.
Other names: c.3115C>T, p.Pro1039Ser (NM_001174081.3); c.3049C>T, p.Pro1017Ser (NM_001174082.3); c.3046C>T, p.Pro1016Ser (NM_001174083.2); c.3106C>T, p.Pro1036Ser (NM_001348003.2); short protein forms P1016S, P1017S, P1036S, P1039S.
Identifiers: ClinVar variation 2442650 (VCV002442650.2), dbSNP rs2073148415, ClinGen allele CA407461087.